The following is an entry in ClinVar:

NM_001135649.3(FOXI3):c.712C>T (p.Arg238Ter)

Gene: FOXI3 (forkhead box I3; minus strand). Cytogenetic location: 2p11.2.
Variant type: single nucleotide variant.
Coding change: c.712C>T on transcript NM_001135649.3 (MANE Select); coding-DNA position 712, C replaced by T.
Protein change: p.Arg238Ter; replaces arginine 238 with a stop codon.
Molecular consequence: nonsense.
Genome position (GRCh38, 1-based): chr2:88,448,758, G>A on the plus strand (C>T on the coding strand, the complement: FOXI3 is on the minus strand). VCF-style: chr2-88448758-G-A. GRCh37 (hg19) VCF-style: chr2-88748277-G-A.
Other names: short protein forms R238*.
Identifiers: ClinVar variation 3693425 (VCV003693425.3).

ClinVar aggregate classification (germline): Uncertain significance. Review status: criteria provided, multiple submitters, no conflicts (2 of 4 stars). 2 submissions from 2 submitters: Uncertain significance (2). Last evaluated 2025-09-24.

Conditions:
Craniofacial microsomia 2 (CFM2). Identifiers: MedGen C5781610, MONDO:0958194, OMIM 620444.

Submissions (2):

3billion
Classification: Uncertain significance for Craniofacial microsomia 2. Last evaluated: 2025-09-24. Review status: criteria provided, single submitter. Criteria: ACMG Guidelines, 2015. Collection method: clinical testing. Allele origin: germline. Affected: yes.
Comment: The variant is not observed in the gnomAD v4.1.0 dataset. Predicted Consequence/Location: Stop-gained (nonsense): predicted to result in a loss or disruption of normal protein function through protein truncation. The predicted truncated protein may be shortened by more than 10%. The variant has been reported as of uncertain significance (ClinVar ID: VCV003693425). Therefore, this variant is classified as VUS according to the recommendation of ACMG/AMP guideline.

Labcorp Genetics (formerly Invitae), Labcorp
Classification: Uncertain significance. Last evaluated: 2024-04-11. Review status: criteria provided, single submitter. Criteria: Invitae Variant Classification Sherloc (09022015). Collection method: clinical testing. Allele origin: germline.
Comment: This sequence change creates a premature translational stop signal (p.Arg238*) in the FOXI3 gene. While this is not anticipated to result in nonsense mediated decay, it is expected to disrupt the last 183 amino acid(s) of the FOXI3 protein. This variant is not present in population databases (gnomAD no frequency). This variant has not been reported in the literature in individuals affected with FOXI3-related conditions. Experimental studies and prediction algorithms are not available or were not evaluated, and the functional significance of this variant is currently unknown. In summary, the available evidence is currently insufficient to determine the role of this variant in disease. Therefore, it has been classified as a Variant of Uncertain Significance.